The following is an entry in ClinVar:

ClinVar aggregate classification (germline): Uncertain significance. Review status: criteria provided, multiple submitters, no conflicts (2 of 4 stars). 2 submissions from 2 submitters: Uncertain significance (2). Last evaluated 2025-08-31.

Conditions:
Hereditary cancer-predisposing syndrome. Also called: Neoplastic Syndromes, Hereditary; Tumor predisposition; Hereditary neoplastic syndrome; Hereditary Cancer Syndrome. Identifiers: Orphanet 140162, MedGen C0027672, MeSH D009386, MONDO:0015356.

Submissions (2):

Labcorp Genetics (formerly Invitae), Labcorp
Classification: Uncertain significance. Last evaluated: 2025-08-31. Review status: criteria provided, single submitter. Criteria: Invitae Variant Classification Sherloc (09022015). Collection method: clinical testing. Allele origin: germline.
Comment: This sequence change replaces leucine, which is neutral and non-polar, with arginine, which is basic and polar, at codon 8 of the FH protein (p.Leu8Arg). This variant is not present in population databases (gnomAD no frequency). This variant has not been reported in the literature in individuals affected with FH-related conditions. ClinVar contains an entry for this variant (Variation ID: 2452783). Invitae Evidence Modeling of protein sequence and biophysical properties (such as structural, functional, and spatial information, amino acid conservation, physicochemical variation, residue mobility, and thermodynamic stability) indicates that this missense variant is not expected to disrupt FH protein function with a negative predictive value of 95%. In summary, the available evidence is currently insufficient to determine the role of this variant in disease. Therefore, it has been classified as a Variant of Uncertain Significance.

Ambry Genetics
Classification: Uncertain significance for Hereditary cancer-predisposing syndrome. Last evaluated: 2023-02-13. Review status: criteria provided, single submitter. Criteria: Ambry Variant Classification Scheme 2023. Collection method: clinical testing. Allele origin: germline.
Comment: The p.L8R variant (also known as c.23T>G), located in coding exon 1 of the FH gene, results from a T to G substitution at nucleotide position 23. The leucine at codon 8 is replaced by arginine, an amino acid with dissimilar properties. This amino acid position is well conserved in available vertebrate species. In addition, the in silico prediction for this alteration is inconclusive. Since supporting evidence is limited at this time, the clinical significance of this alteration remains unclear.

NM_000143.4(FH):c.23T>G (p.Leu8Arg)

Gene: FH (fumarate hydratase; minus strand). Cytogenetic location: 1q43.
Variant type: single nucleotide variant.
Coding change: c.23T>G on transcript NM_000143.4 (MANE Select); coding-DNA position 23, T replaced by G.
Protein change: p.Leu8Arg; replaces leucine 8 with arginine.
Molecular consequence: missense variant.
Genome position (GRCh38, 1-based): chr1:241,519,700, A>C on the plus strand (T>G on the coding strand, the complement: FH is on the minus strand). VCF-style: chr1-241519700-A-C. GRCh37 (hg19) VCF-style: chr1-241683000-A-C.
Other names: short protein forms L8R.
Identifiers: ClinVar variation 2452783 (VCV002452783.3), dbSNP rs2527345676, ClinGen allele CA345443057.